The following is an entry in ClinVar:

ClinVar aggregate classification (germline): Uncertain significance (1 of 4 stars; one submission).

gnomAD v4.1: 18 of 1,607,506 alleles (0.0011%); highest among the groups gnomAD compares: African/African-American, 0.023%; no homozygotes.

Submission:

Labcorp Genetics (formerly Invitae), Labcorp
Classification: Uncertain significance. Last evaluated: 2024-08-28. Review status: criteria provided, single submitter. Criteria: Invitae Variant Classification Sherloc (09022015). Collection method: clinical testing. Allele origin: germline.
Comment: This sequence change falls in intron 9 of the ARIH1 gene. It does not directly change the encoded amino acid sequence of the ARIH1 protein. It affects a nucleotide within the consensus splice site. This variant is present in population databases (rs373734918, gnomAD 0.03%). This variant has not been reported in the literature in individuals affected with ARIH1-related conditions. Variants that disrupt the consensus splice site are a relatively common cause of aberrant splicing (PMID: 17576681, 9536098). Algorithms developed to predict the effect of sequence changes on RNA splicing suggest that this variant is not likely to affect RNA splicing. In summary, the available evidence is currently insufficient to determine the role of this variant in disease. Therefore, it has been classified as a Variant of Uncertain Significance.

Literature cited by the submitters: PubMed 17576681; PubMed 9536098.

NM_005744.5(ARIH1):c.1026+3T>A

Gene: ARIH1 (ariadne RBR E3 ubiquitin protein ligase 1; plus strand). Cytogenetic location: 15q24.1.
Variant type: single nucleotide variant.
Coding change: c.1026+3T>A on transcript NM_005744.5 (MANE Select); 3 bases into the intron after coding-DNA position 1026, T replaced by A.
Molecular consequence: intron variant.
Genome position (GRCh38, 1-based): chr15:72,567,180, T>A. VCF-style: chr15-72567180-T-A. GRCh37 (hg19) VCF-style: chr15-72859521-T-A.
Identifiers: ClinVar variation 3603966 (VCV003603966.2).